The following is an entry in ClinVar:

NM_000540.3(RYR1):c.7850C>T (p.Ser2617Leu)

Gene: RYR1 (ryanodine receptor 1; plus strand). Cytogenetic location: 19q13.2.
Variant type: single nucleotide variant.
Coding change: c.7850C>T on transcript NM_000540.3 (MANE Select); coding-DNA position 7850, C replaced by T.
Protein change: p.Ser2617Leu; replaces serine 2617 with leucine.
Molecular consequence: missense variant.
Genome position (GRCh38, 1-based): chr19:38,502,894, C>T. VCF-style: chr19-38502894-C-T. GRCh37 (hg19) VCF-style: chr19-38993534-C-T.
Other names: c.7850C>T (NM_000540.2); c.7850C>T, p.Ser2617Leu (NM_001042723.2); short protein forms S2617L.
Identifiers: ClinVar variation 1391300 (VCV001391300.13), dbSNP rs780836747, ClinGen allele CA070831.
Genomic context (GRCh38, chr19:38,502,894, plus strand): 5'-AGCGGGCCTGGACGGGGGATTCTACATCTTGTGCATTGTCCCGCAGGTACATCCGCCCGT[C>T]GATGCTGCAGCACCTGTTGCGCCGCCTGGTGTTCGACGTGCCCATCCTCAACGAGTTCGC-3'
Protein context (NP_000531.2, residues 2607-2627): LMSLCRYIRP[Ser2617Leu]MLQHLLRRLV

ClinVar aggregate classification (germline): Uncertain significance. Review status: criteria provided, multiple submitters, no conflicts (2 of 4 stars). 4 submissions from 4 submitters: Uncertain significance (4). Last evaluated 2026-07-20.

Conditions:
RYR1-related disorder. Also called: RYR1-related condition; RYR1-related disorders. Identifiers: MedGen CN239331.
Inborn genetic diseases. Identifiers: MedGen C0950123, MeSH D030342.
Malignant hyperthermia, susceptibility to, 1 (MHS1). Also called: RYR1-Related Malignant Hyperthermia Susceptibility; Anesthesia related hyperthermia; Malignant hyperpyrexia; Fulminating hyperpyrexia; Pharmacogenic myopathy; Malignant hyperthermia suceptibility 1. Identifiers: Orphanet 423, MedGen C2930980, MONDO:0007783, OMIM 145600.

Allele frequency attached by ClinVar (database versions not stated): gnomAD 0.00001; gnomAD exomes 0.00002; ExAC 0.00001.
gnomAD v4.1: 29 of 1,611,314 alleles (0.0018%); highest among the groups gnomAD compares: Admixed American, 0.0083%; no homozygotes.

Submissions (4):

Ambry Genetics
Classification: Uncertain significance for Inborn genetic diseases. Last evaluated: 2026-07-20. Review status: criteria provided, single submitter. Criteria: Ambry Variant Classification Scheme 2023. Collection method: clinical testing. Allele origin: germline.

Labcorp Genetics (formerly Invitae), Labcorp
Classification: Uncertain significance for RYR1-related disorder. Last evaluated: 2025-10-06. Review status: criteria provided, single submitter. Criteria: Invitae Variant Classification Sherloc (09022015). Collection method: clinical testing. Allele origin: germline.
Comment: This sequence change replaces serine, which is neutral and polar, with leucine, which is neutral and non-polar, at codon 2617 of the RYR1 protein (p.Ser2617Leu). This variant is present in population databases (rs780836747, gnomAD 0.009%). This variant has not been reported in the literature in individuals affected with RYR1-related conditions. ClinVar contains an entry for this variant (Variation ID: 1391300). Invitae Evidence Modeling of protein sequence and biophysical properties (such as structural, functional, and spatial information, amino acid conservation, physicochemical variation, residue mobility, and thermodynamic stability) indicates that this missense variant is expected to disrupt RYR1 protein function with a positive predictive value of 80%. In summary, the available evidence is currently insufficient to determine the role of this variant in disease. Therefore, it has been classified as a Variant of Uncertain Significance.

All of Us Research Program, National Institutes of Health
Classification: Uncertain significance for Malignant hyperthermia, susceptibility to, 1. Last evaluated: 2024-07-29. Review status: criteria provided, single submitter. Criteria: ACMG Guidelines, 2015. Collection method: clinical testing. Allele origin: germline. Inheritance: Autosomal dominant inheritance. Observed: 11 variant alleles, 11 heterozygotes.
Comment: This missense variant replaces serine with leucine at codon 2617 of the RYR1 protein. Computational prediction suggests that this variant may have deleterious impact on protein structure and function (internally defined REVEL score threshold >= 0.7, PMID: 27666373). To our knowledge, functional studies have not been reported for this variant. This variant has not been reported in individuals affected with RYR1-related disorders in the literature. This variant has been identified in 7/280910 chromosomes in the general population by the Genome Aggregation Database (gnomAD). The available evidence is insufficient to determine the role of this variant in disease conclusively. Therefore, this variant is classified as a Variant of Uncertain Significance.

This study involves interpretation of variants in research participants for the purpose of population health screening. Participant phenotype was not available at the time of variant classification. Additional details can be found in publication PMID: 35346344, PMCID: PMC8962531

Revvity Omics, Revvity
Classification: Uncertain significance. Last evaluated: 2019-08-09. Review status: criteria provided, single submitter. Criteria: ACMG Guidelines, 2015. Collection method: clinical testing. Allele origin: germline.